The following is an entry in ClinVar:

NM_001999.4(FBN2):c.6657C>T (p.Ile2219=)

Gene: FBN2 (fibrillin 2; minus strand). Cytogenetic location: 5q23.3.
Variant type: single nucleotide variant.
Coding change: c.6657C>T on transcript NM_001999.4 (MANE Select); coding-DNA position 6657, C replaced by T.
Protein change: p.Ile2219=; no amino-acid change (isoleucine 2219 retained).
Molecular consequence: synonymous variant.
Genome position (GRCh38, 1-based): chr5:128,288,538, G>A on the plus strand (C>T on the coding strand, the complement: FBN2 is on the minus strand). VCF-style: chr5-128288538-G-A. GRCh37 (hg19) VCF-style: chr5-127624230-G-A.
Identifiers: ClinVar variation 1754714 (VCV001754714.9), dbSNP rs777898673, ClinGen allele CA3394337.

ClinVar aggregate classification (germline): Benign/Likely benign. Review status: criteria provided, multiple submitters, no conflicts (2 of 4 stars). 4 submissions from 4 submitters: Benign (1); Likely benign (3). Last evaluated 2026-07-01.

Conditions:
Familial thoracic aortic aneurysm and aortic dissection (TAAD). Also called: Thoracic aortic aneurysms and dissections. Identifiers: Orphanet 91387, MedGen C4707243, MONDO:0019625.
Congenital contractural arachnodactyly (CCA). Also called: Arthrogryposis, distal, type 9; BEALS SYNDROME; Beals-Hecht syndrome. Identifiers: Orphanet 115, MedGen C0220668, MONDO:0007363, OMIM 121050.

Allele frequency attached by ClinVar (database versions not stated): ExAC 0.00002; gnomAD exomes 0.00004; gnomAD 0.00006; TOPMed 0.00008.
gnomAD v4.1: 68 of 1,613,574 alleles (0.0042%); highest among the groups gnomAD compares: Non-Finnish European, 0.0053%; no homozygotes.

Submissions (4):

CeGaT Center for Human Genetics Tuebingen
Classification: Likely benign. Last evaluated: 2026-07-01. Review status: criteria provided, single submitter. Criteria: CeGaT Center For Human Genetics Tuebingen Variant Classification Criteria Version 2. Collection method: clinical testing. Allele origin: germline. Affected: yes. Observed: 2 variant alleles.
Comment: FBN2: BP4, BP7

Labcorp Genetics (formerly Invitae), Labcorp
Classification: Benign for Congenital contractural arachnodactyly. Last evaluated: 2025-11-01. Review status: criteria provided, single submitter. Criteria: Invitae Variant Classification Sherloc (09022015). Collection method: clinical testing. Allele origin: germline.

ARUP Laboratories, Molecular Genetics and Genomics, ARUP Laboratories
Classification: Likely benign. Last evaluated: 2024-03-20. Review status: criteria provided, single submitter. Criteria: ARUP Molecular Germline Variant Investigation Process 2024. Collection method: clinical testing. Allele origin: germline.

Ambry Genetics
Classification: Likely benign for Familial thoracic aortic aneurysm and aortic dissection. Last evaluated: 2022-10-07. Review status: criteria provided, single submitter. Criteria: Ambry Variant Classification Scheme 2023. Collection method: clinical testing. Allele origin: germline.